The following is an entry in ClinVar:

NM_000539.3(RHO):c.361+10G>A

Gene: RHO (rhodopsin; plus strand). Cytogenetic location: 3q22.1.
Variant type: single nucleotide variant.
Coding change: c.361+10G>A on transcript NM_000539.3 (MANE Select); 10 bases into the intron after coding-DNA position 361, G replaced by A.
Molecular consequence: intron variant.
Genome position (GRCh38, 1-based): chr3:129,529,104, G>A. VCF-style: chr3-129529104-G-A. GRCh37 (hg19) VCF-style: chr3-129247947-G-A.
Identifiers: ClinVar variation 900454 (VCV000900454.14), dbSNP rs372128112, ClinGen allele CA2607122.

ClinVar aggregate classification (germline): Conflicting classifications of pathogenicity. Review status: criteria provided, conflicting classifications (1 of 4 stars). 6 submissions from 5 submitters: Uncertain significance (2); Benign (1); Likely benign (2). 1 of the submissions does not count toward it. Last evaluated 2026-02-27.

Conditions:
Retinal dystrophy. Also called: Inherited retinal dystrophy. Identifiers: Orphanet 71862, MedGen C0854723, MeSH D058499, MONDO:0019118, HP:0000556.
Congenital stationary night blindness autosomal dominant 1. Also called: NIGHT BLINDNESS, CONGENITAL STATIONARY, RHODOPSIN-RELATED. Identifiers: Orphanet 215, MedGen C1864869, MONDO:0012498, OMIM 610445.
RHO-related disorder. Also called: RHO-related condition.
Retinitis pigmentosa (RP). Identifiers: Orphanet 791, MedGen C0035334, MeSH D012174, MONDO:0019200, OMIM 268000. Inheritance: Autosomal dominant, autosomal recessive and X linked inheritance.

Allele frequency attached by ClinVar (database versions not stated): gnomAD exomes 0.00006; ESP Exome Variant Server 0.00008; TOPMed 0.00008; ExAC 0.00009; gnomAD 0.00009 and 0.00010.
gnomAD v4.1: 126 of 1,608,244 alleles (0.0078%); highest among the groups gnomAD compares: Non-Finnish European, 0.0097%; no homozygotes.

Submissions (6):

PreventionGenetics, part of Exact Sciences
Classification: Uncertain significance for RHO-related condition. Last evaluated: 2026-02-27. Review status: criteria provided, single submitter. Criteria: ACMG Guidelines, 2015. Collection method: clinical testing. Allele origin: germline.
Comment: The RHO c.361+10G>A variant is predicted to interfere with splicing. This variant is not predicted to alter the canonical splice site, but is predicted to introduce a strong donor splice site at the c.361+11 position, and possibly extends exon 1 by 11 nucleotides (SpliceAI, Jaganathan et al. 2019. PubMed ID: 30661751; Alamut Visual Plus v1.6.1). To our knowledge, this variant has not been reported in the literature. This variant is reported in 0.013% of alleles in individuals of European (Non-Finnish) descent in gnomAD. However, the use of computer prediction programs is not equivalent to functional evidence, and therefore the clinical significance of this variant is uncertain.

Labcorp Genetics (formerly Invitae), Labcorp
Classification: Likely benign. Last evaluated: 2025-05-04. Review status: criteria provided, single submitter. Criteria: Invitae Variant Classification Sherloc (09022015). Collection method: clinical testing. Allele origin: germline.

Blueprint Genetics
Classification: Likely benign. Last evaluated: 2024-08-16. Review status: criteria provided, single submitter. Criteria: ACMG Guidelines, 2015. Collection method: clinical testing. Allele origin: germline.

Illumina Laboratory Services, Illumina
Classification: Benign for Congenital stationary night blindness autosomal dominant 1. Last evaluated: 2017-05-22. Review status: criteria provided, single submitter. Criteria: ICSL Variant Classification Criteria 13 December 2019. Collection method: clinical testing. Allele origin: germline.
Comment: This variant was observed as part of a predisposition screen in an ostensibly healthy population. A literature search was performed for the gene, cDNA change, and amino acid change (where applicable). Publications were found based on this search. The evidence from the literature, in combination with allele frequency data from public databases where available, was sufficient to rule this variant out of causing disease. Therefore, this variant is classified as benign.

Illumina Laboratory Services, Illumina
Classification: Uncertain significance for Retinitis pigmentosa. Last evaluated: 2017-04-27. Review status: criteria provided, single submitter. Criteria: ICSL Variant Classification Criteria 13 December 2019. Collection method: clinical testing. Allele origin: germline.

Institute of Human Genetics, Univ. Regensburg, Univ. Regensburg
Classification: Uncertain significance for Retinal dystrophy. Last evaluated: 2021-01-01. Review status: no assertion criteria provided. Criteria: ACMG Guidelines, 2015. Collection method: clinical testing. Allele origin: germline. Affected: yes. Not counted in ClinVar's aggregate classification.

Literature cited by the submitters: PubMed 24760071 (cited by Illumina Laboratory Services, Illumina).